The following is an entry in ClinVar:

NM_004370.6(COL12A1):c.8492del (p.Pro2831fs)

Gene: COL12A1 (collagen type XII alpha 1 chain; minus strand). Cytogenetic location: 6q13.
Variant type: Deletion.
Coding change: c.8492del on transcript NM_004370.6 (MANE Select); coding-DNA position 8492, one base deleted (C; older notation c.8492delC).
Protein change: p.Pro2831fs; shifts the reading frame from proline 2831.
Molecular consequence: frameshift variant.
Genome position (GRCh38, 1-based): chr6:75,101,631, G deleted on the plus strand (C on the coding strand, the reverse complement: COL12A1 is on the minus strand); the first of 3 consecutive G bases (chr6:75,101,631-75,101,633); deleting any one gives the same sequence. VCF-style (leftmost placement, unchanged base first): chr6-75101630-TG-T. GRCh37 (hg19) VCF-style: chr6-75811346-TG-T.
Other names: c.8492del, p.Pro2831fs (NM_001424113.1); c.8471del, p.Pro2824fs (NM_001424114.1); c.8219del, p.Pro2740fs (NM_001424115.1); c.5000del, p.Pro1667fs (NM_001424116.1, NM_080645.3); short protein forms P1667fs, P2740fs, P2824fs, P2831fs.
Identifiers: ClinVar variation 3760148 (VCV003760148.2).

ClinVar aggregate classification (germline): Pathogenic (1 of 4 stars; one submission).

Conditions:
Ullrich congenital muscular dystrophy 2 (UCMD2). Identifiers: Orphanet 75840, MedGen C4225314, MONDO:0014654, OMIM 616470.
Bethlem myopathy 2 (BTHLM2). Identifiers: Orphanet 536516, Orphanet 610, MedGen C4225313, MONDO:0034022, OMIM 616471.

Submission:

Labcorp Genetics (formerly Invitae), Labcorp
Classification: Pathogenic for Bethlem myopathy 2; Ullrich congenital muscular dystrophy 2. Last evaluated: 2024-12-23. Review status: criteria provided, single submitter. Criteria: Invitae Variant Classification Sherloc (09022015). Collection method: clinical testing. Allele origin: germline.
Comment: This sequence change creates a premature translational stop signal (p.Pro2831Hisfs*58) in the COL12A1 gene. It is expected to result in an absent or disrupted protein product. Loss-of-function variants in COL12A1 are known to be pathogenic (PMID: 24334604, 28973083). This variant is not present in population databases (gnomAD no frequency). This variant has not been reported in the literature in individuals affected with COL12A1-related conditions. For these reasons, this variant has been classified as Pathogenic.

Literature cited by the submitters: PubMed 24334604; PubMed 28973083.